The following is an entry in ClinVar:

NM_002226.5(JAG2):c.3520G>A (p.Val1174Ile)

Gene: JAG2 (jagged canonical Notch ligand 2; minus strand). Cytogenetic location: 14q32.33.
Variant type: single nucleotide variant.
Coding change: c.3520G>A on transcript NM_002226.5 (MANE Select); coding-DNA position 3520, G replaced by A.
Protein change: p.Val1174Ile; replaces valine 1174 with isoleucine.
Molecular consequence: missense variant.
Genome position (GRCh38, 1-based): chr14:105,142,892, C>T on the plus strand (G>A on the coding strand, the complement: JAG2 is on the minus strand). VCF-style: chr14-105142892-C-T. GRCh37 (hg19) VCF-style: chr14-105609229-C-T.
Other names: p.Val1174Ile; c.3406G>A, p.Val1136Ile (NM_145159.3); short protein forms V1136I, V1174I.
Identifiers: ClinVar variation 2683282 (VCV002683282.1), dbSNP rs148815369, ClinGen allele CA7385160.

ClinVar aggregate classification (germline): Uncertain significance (1 of 4 stars; one submission).

Allele frequency attached by ClinVar (database versions not stated): 1000 Genomes Project 30x 0.00016; 1000 Genomes Project 0.00020; TOPMed 0.00031; gnomAD 0.00036; ESP Exome Variant Server 0.00039; gnomAD exomes 0.00053; ExAC 0.00070.
gnomAD v4.1: 816 of 1,600,202 alleles (0.051%); highest among the groups gnomAD compares: Middle Eastern, 0.2%; 2 homozygotes.

Submission:

Mayo Clinic Laboratories, Mayo Clinic
Classification: Uncertain significance. Last evaluated: 2023-02-22. Review status: criteria provided, single submitter. Criteria: ACMG Guidelines, 2015. Collection method: clinical testing. Allele origin: germline. Observed: 1 variant allele.
Comment: BP4